The following is an entry in ClinVar:

NM_005216.5(DDOST):c.308T>C (p.Ile103Thr)

Gene: DDOST (dolichyl-diphosphooligosaccharide--protein glycosyltransferase non-catalytic subunit; minus strand). Cytogenetic location: 1p36.12.
Variant type: single nucleotide variant.
Coding change: c.308T>C on transcript NM_005216.5 (MANE Select); coding-DNA position 308, T replaced by C.
Protein change: p.Ile103Thr; replaces isoleucine 103 with threonine.
Molecular consequence: missense variant.
Genome position (GRCh38, 1-based): chr1:20,656,145, A>G on the plus strand (T>C on the coding strand, the complement: DDOST is on the minus strand). VCF-style: chr1-20656145-A-G. GRCh37 (hg19) VCF-style: chr1-20982638-A-G.
Other names: short protein forms I103T.
Identifiers: ClinVar variation 2074672 (VCV002074672.4), dbSNP rs536192419, ClinGen allele CA661295.

ClinVar aggregate classification (germline): Uncertain significance (1 of 4 stars; one submission).

Conditions:
Congenital disorder of glycosylation type Ir (CDG1R). Also called: DDOST-congenital disorder of glycosylation. Identifiers: Orphanet 300536, MedGen C3281084, MONDO:0013789, OMIM 614507.

Allele frequency attached by ClinVar (database versions not stated): TOPMed 0.00002; gnomAD 0.00003; gnomAD exomes 0.00004; ExAC 0.00007; 1000 Genomes Project 30x 0.00016; 1000 Genomes Project 0.00020.
gnomAD v4.1: 68 of 1,614,198 alleles (0.0042%); highest among the groups gnomAD compares: South Asian, 0.047%; 1 homozygote.

Submission:

Labcorp Genetics (formerly Invitae), Labcorp
Classification: Uncertain significance for Congenital disorder of glycosylation type Ir. Last evaluated: 2025-08-09. Review status: criteria provided, single submitter. Criteria: Invitae Variant Classification Sherloc (09022015). Collection method: clinical testing. Allele origin: germline.
Comment: This sequence change replaces isoleucine, which is neutral and non-polar, with threonine, which is neutral and polar, at codon 120 of the DDOST protein (p.Ile120Thr). This variant is present in population databases (rs536192419, gnomAD 0.05%). This variant has not been reported in the literature in individuals affected with DDOST-related conditions. ClinVar contains an entry for this variant (Variation ID: 2074672). Invitae Evidence Modeling of protein sequence and biophysical properties (such as structural, functional, and spatial information, amino acid conservation, physicochemical variation, residue mobility, and thermodynamic stability) has been performed for this missense variant. However, the output from this modeling did not meet the statistical confidence thresholds required to predict the impact of this variant on DDOST protein function. In summary, the available evidence is currently insufficient to determine the role of this variant in disease. Therefore, it has been classified as a Variant of Uncertain Significance.